The following is an entry in ClinVar:

ClinVar aggregate classification (germline): Uncertain significance (1 of 4 stars; one submission).

Conditions:
Inborn genetic diseases. Identifiers: MedGen C0950123, MeSH D030342.

Allele frequency attached by ClinVar (database versions not stated): gnomAD exomes 0.00002; TOPMed 0.00002; gnomAD 0.00004.
gnomAD v4.1: 37 of 1,612,380 alleles (0.0023%); highest among the groups gnomAD compares: Non-Finnish European, 0.0029%; no homozygotes.

Submission:

Ambry Genetics
Classification: Uncertain significance for Inborn genetic diseases. Last evaluated: 2020-11-04. Review status: criteria provided, single submitter. Criteria: Ambry Variant Classification Scheme 2023. Collection method: clinical testing. Allele origin: germline.
Comment: The c.285-3T>C intronic alteration results from a T to C substitution 3 nucleotides before coding exon 5 in the MED23 gene. Based on data from the Genome Aggregation Database (gnomAD) database, the MED23 c.285-3T>C alteration was observed in 0.0014% (4/282390) of total alleles studied, with a frequency of 0.0031% (4/129060) in the European (non-Finnish) subpopulation. This nucleotide position is not well conserved in available vertebrate species. In silico splice site analysis predicts that this alteration will not have any significant effect on splicing. Based on insufficient or conflicting evidence, the clinical significance of this alteration remains unclear.

NM_004830.4(MED23):c.285-3T>C

Gene: MED23 (mediator complex subunit 23; minus strand). Cytogenetic location: 6q23.2.
Variant type: single nucleotide variant.
Coding change: c.285-3T>C on transcript NM_004830.4 (MANE Select); 3 bases into the intron before coding-DNA position 285, T replaced by C.
Molecular consequence: intron variant.
Genome position (GRCh38, 1-based): chr6:131,623,465, A>G on the plus strand (T>C on the coding strand, the complement: MED23 is on the minus strand). VCF-style: chr6-131623465-A-G. GRCh37 (hg19) VCF-style: chr6-131944605-A-G.
Other names: c.285-3T>C (NM_001270521.2, NM_015979.4, NM_001376523.1 and 7 more transcripts); c.213-3T>C (NM_001376518.1).
Identifiers: ClinVar variation 2227871 (VCV002227871.2), dbSNP rs892805085, ClinGen allele CA147897143.